The following is an entry in ClinVar:

ClinVar aggregate classification (germline): Uncertain significance (1 of 4 stars; one submission).

Conditions:
Rubinstein-Taybi syndrome (RSTS). Identifiers: Orphanet 783, MedGen C0035934, MONDO:0019188.

Submission:

Labcorp Genetics (formerly Invitae), Labcorp
Classification: Uncertain significance for Rubinstein-Taybi syndrome. Last evaluated: 2025-11-03. Review status: criteria provided, single submitter. Criteria: Invitae Variant Classification Sherloc (09022015). Collection method: clinical testing. Allele origin: germline.
Comment: This sequence change replaces serine, which is neutral and polar, with arginine, which is basic and polar, at codon 2138 of the CREBBP protein (p.Ser2138Arg). This variant is not present in population databases (gnomAD no frequency). This variant has not been reported in the literature in individuals affected with CREBBP-related conditions. Invitae Evidence Modeling of protein sequence and biophysical properties (such as structural, functional, and spatial information, amino acid conservation, physicochemical variation, residue mobility, and thermodynamic stability) indicates that this missense variant is not expected to disrupt CREBBP protein function with a negative predictive value of 95%. In summary, the available evidence is currently insufficient to determine the role of this variant in disease. Therefore, it has been classified as a Variant of Uncertain Significance.

NM_004380.3(CREBBP):c.6414C>A (p.Ser2138Arg)

Gene: CREBBP (CREB binding lysine acetyltransferase; minus strand). Cytogenetic location: 16p13.3.
Variant type: single nucleotide variant.
Coding change: c.6414C>A on transcript NM_004380.3 (MANE Select); coding-DNA position 6414, C replaced by A.
Protein change: p.Ser2138Arg; replaces serine 2138 with arginine.
Molecular consequence: missense variant.
Genome position (GRCh38, 1-based): chr16:3,728,633, G>T on the plus strand (C>A on the coding strand, the complement: CREBBP is on the minus strand). VCF-style: chr16-3728633-G-T. GRCh37 (hg19) VCF-style: chr16-3778634-G-T.
Other names: c.6300C>A, p.Ser2100Arg (NM_001079846.1); short protein forms S2100R, S2138R.
Identifiers: ClinVar variation 4751450 (VCV004751450.1).